The following continues an entry in ClinVar:

NM_001378204.1(CCDC18):c.3324G>T (p.Arg1108Ser)

Gene: CCDC18. ClinVar aggregate classification (germline): Benign.

Submissions 34 to 51 of 51:

Dr. Peter K. Rogan Lab, Western University
No classification provided (evidence only). Condition: Ovarian serous cystadenocarcinoma. Review status: no classification provided. Collection method: in vitro. Allele origin: not applicable. Functional consequence: retained intron. Not counted in ClinVar's aggregate classification.

Dr. Peter K. Rogan Lab, Western University
No classification provided (evidence only). Condition: Ovarian serous cystadenocarcinoma. Review status: no classification provided. Collection method: in vitro. Allele origin: not applicable. Functional consequence: retained intron. Not counted in ClinVar's aggregate classification.

Dr. Peter K. Rogan Lab, Western University
No classification provided (evidence only). Condition: Ovarian serous cystadenocarcinoma. Review status: no classification provided. Collection method: in vitro. Allele origin: not applicable. Functional consequence: retained intron. Not counted in ClinVar's aggregate classification.

Dr. Peter K. Rogan Lab, Western University
No classification provided (evidence only). Condition: Ovarian serous cystadenocarcinoma. Review status: no classification provided. Collection method: in vitro. Allele origin: not applicable. Functional consequence: retained intron. Not counted in ClinVar's aggregate classification.

Dr. Peter K. Rogan Lab, Western University
No classification provided (evidence only). Condition: Gastric cancer. Review status: no classification provided. Collection method: in vitro. Allele origin: not applicable. Functional consequence: retained intron. Not counted in ClinVar's aggregate classification.

Dr. Peter K. Rogan Lab, Western University
No classification provided (evidence only). Condition: Gastric cancer. Review status: no classification provided. Collection method: in vitro. Allele origin: not applicable. Functional consequence: retained intron. Not counted in ClinVar's aggregate classification.

Dr. Peter K. Rogan Lab, Western University
No classification provided (evidence only). Condition: Gastric cancer. Review status: no classification provided. Collection method: in vitro. Allele origin: not applicable. Functional consequence: retained intron. Not counted in ClinVar's aggregate classification.

Dr. Peter K. Rogan Lab, Western University
No classification provided (evidence only). Condition: Gastric cancer. Review status: no classification provided. Collection method: in vitro. Allele origin: not applicable. Functional consequence: retained intron. Not counted in ClinVar's aggregate classification.

Dr. Peter K. Rogan Lab, Western University
No classification provided (evidence only). Condition: Gastric cancer. Review status: no classification provided. Collection method: in vitro. Allele origin: not applicable. Functional consequence: retained intron. Not counted in ClinVar's aggregate classification.

Dr. Peter K. Rogan Lab, Western University
No classification provided (evidence only). Condition: Uterine carcinosarcoma. Review status: no classification provided. Collection method: in vitro. Allele origin: not applicable. Functional consequence: skipped exon. Not counted in ClinVar's aggregate classification.

Dr. Peter K. Rogan Lab, Western University
No classification provided (evidence only). Condition: Uterine carcinosarcoma. Review status: no classification provided. Collection method: in vitro. Allele origin: not applicable. Functional consequence: skipped exon, retained intron. Not counted in ClinVar's aggregate classification.

Dr. Peter K. Rogan Lab, Western University
No classification provided (evidence only). Condition: Uterine carcinosarcoma. Review status: no classification provided. Collection method: in vitro. Allele origin: not applicable. Functional consequence: skipped exon, retained intron. Not counted in ClinVar's aggregate classification.

Dr. Peter K. Rogan Lab, Western University
No classification provided (evidence only). Condition: Malignant tumor of esophagus. Review status: no classification provided. Collection method: in vitro. Allele origin: not applicable. Functional consequence: retained intron. Not counted in ClinVar's aggregate classification.

Dr. Peter K. Rogan Lab, Western University
No classification provided (evidence only). Condition: Familial pancreatic carcinoma. Review status: no classification provided. Collection method: in vitro. Allele origin: not applicable. Functional consequence: skipped exon, retained intron. Not counted in ClinVar's aggregate classification.

Dr. Peter K. Rogan Lab, Western University
No classification provided (evidence only). Condition: Hepatocellular carcinoma. Review status: no classification provided. Collection method: in vitro. Allele origin: not applicable. Functional consequence: skipped exon, retained intron. Not counted in ClinVar's aggregate classification.

Dr. Peter K. Rogan Lab, Western University
No classification provided (evidence only). Condition: Hepatocellular carcinoma. Review status: no classification provided. Collection method: in vitro. Allele origin: not applicable. Functional consequence: skipped exon. Not counted in ClinVar's aggregate classification.

Dr. Peter K. Rogan Lab, Western University
No classification provided (evidence only). Condition: Hepatocellular carcinoma. Review status: no classification provided. Collection method: in vitro. Allele origin: not applicable. Functional consequence: retained intron. Not counted in ClinVar's aggregate classification.

Dr. Peter K. Rogan Lab, Western University
No classification provided (evidence only). Condition: Hepatocellular carcinoma. Review status: no classification provided. Collection method: in vitro. Allele origin: not applicable. Functional consequence: skipped exon. Not counted in ClinVar's aggregate classification.